The following is an entry in ClinVar:

ClinVar aggregate classification (germline): Uncertain significance (1 of 4 stars; one submission).

Conditions:
Cardiac arrhythmia. Also called: Arrhythmia; Cardiac rhythm disease. Identifiers: MedGen C0003811, MONDO:0007263, HP:0011675.

gnomAD v4.1: 7 of 1,614,156 alleles (0.00043%); highest among the groups gnomAD compares: Non-Finnish European, 0.00059%; no homozygotes.

Submission:

Labcorp Genetics (formerly Invitae), Labcorp
Classification: Uncertain significance for Cardiac arrhythmia. Last evaluated: 2026-01-13. Review status: criteria provided, single submitter. Criteria: Invitae Variant Classification Sherloc (09022015). Collection method: clinical testing. Allele origin: germline.
Comment: This sequence change replaces valine, which is neutral and non-polar, with phenylalanine, which is neutral and non-polar, at codon 31 of the RANGRF protein (p.Val31Phe). This variant is not present in population databases (gnomAD no frequency). This variant has not been reported in the literature in individuals affected with RANGRF-related conditions. An algorithm developed to predict the effect of missense changes on protein structure and function (PolyPhen-2) suggests that this variant is likely to be disruptive. In summary, the available evidence is currently insufficient to determine the role of this variant in disease. Therefore, it has been classified as a Variant of Uncertain Significance.

NM_016492.5(RANGRF):c.91G>T (p.Val31Phe)

Genes: RANGRF (RAN guanine nucleotide release factor; plus strand), SLC25A35 (solute carrier family 25 member 35; minus strand), LOC130060241 (ATAC-STARR-seq lymphoblastoid active region 11693; plus strand). Cytogenetic location: 17p13.1.
Variant type: single nucleotide variant.
Coding change: c.91G>T on transcript NM_016492.5 (MANE Select); coding-DNA position 91, G replaced by T.
Protein change: p.Val31Phe; replaces valine 31 with phenylalanine.
Molecular consequence: missense variant. On other transcripts: 3 prime UTR variant (2), non-coding transcript variant (2), intron variant (1).
Genome position (GRCh38, 1-based): chr17:8,288,969, G>T. VCF-style: chr17-8288969-G-T. GRCh37 (hg19) VCF-style: chr17-8192287-G-T.
Other names: c.91G>T, p.Val31Phe (NM_001177801.2, NM_001177802.2, NM_001330127.2); c.*514C>A (NM_001320872.2); c.*647C>A (NM_201520.3); c.*43-537C>A (NM_001320871.2); short protein forms V31F.
Identifiers: ClinVar variation 4722456 (VCV004722456.1).